The following is an entry in ClinVar:

NM_001353108.3(CEP63):c.274A>G (p.Met92Val)

Gene: CEP63 (centrosomal protein 63; plus strand). Cytogenetic location: 3q22.2.
Variant type: single nucleotide variant.
Coding change: c.274A>G on transcript NM_001353108.3 (MANE Select); coding-DNA position 274, A replaced by G.
Protein change: p.Met92Val; replaces methionine 92 with valine.
Molecular consequence: missense variant. On other transcripts: 5 prime UTR variant (1), non-coding transcript variant (4).
Genome position (GRCh38, 1-based): chr3:134,531,896, A>G. VCF-style: chr3-134531896-A-G. GRCh37 (hg19) VCF-style: chr3-134250738-A-G.
Other names: c.274A>G, p.Met92Val (NM_001042383.2, NM_001042384.2, NM_001042400.3 and 13 more transcripts); c.301A>G, p.Met101Val (NM_001353118.1); c.190A>G, p.Met64Val (NM_001353125.2); c.-108A>G (NM_001353126.2); short protein forms M92V, M101V, M64V.
Identifiers: ClinVar variation 1949328 (VCV001949328.5), dbSNP rs182759972, ClinGen allele CA2628324.

ClinVar aggregate classification (germline): Uncertain significance (1 of 4 stars; one submission).

Allele frequency attached by ClinVar (database versions not stated): gnomAD exomes below 0.00001; gnomAD 0.00001; TOPMed 0.00001; ExAC 0.00002; 1000 Genomes Project 30x 0.00016; 1000 Genomes Project 0.00020.
gnomAD v4.1: 8 of 1,613,660 alleles (0.0005%); highest among the groups gnomAD compares: East Asian, 0.011%; no homozygotes.

Submission:

Labcorp Genetics (formerly Invitae), Labcorp
Classification: Uncertain significance. Last evaluated: 2024-06-17. Review status: criteria provided, single submitter. Criteria: Invitae Variant Classification Sherloc (09022015). Collection method: clinical testing. Allele origin: germline.
Comment: This sequence change replaces methionine, which is neutral and non-polar, with valine, which is neutral and non-polar, at codon 92 of the CEP63 protein (p.Met92Val). This variant is present in population databases (rs182759972, gnomAD 0.02%). This variant has not been reported in the literature in individuals affected with CEP63-related conditions. ClinVar contains an entry for this variant (Variation ID: 1949328). Advanced modeling of protein sequence and biophysical properties (such as structural, functional, and spatial information, amino acid conservation, physicochemical variation, residue mobility, and thermodynamic stability) performed at Invitae indicates that this missense variant is not expected to disrupt CEP63 protein function with a negative predictive value of 80%. In summary, the available evidence is currently insufficient to determine the role of this variant in disease. Therefore, it has been classified as a Variant of Uncertain Significance.